The following is an entry in ClinVar:

NM_005883.3(APC2):c.6541C>T (p.Pro2181Ser)

Gene: APC2 (APC regulator of Wnt signaling pathway 2; plus strand). Cytogenetic location: 19p13.3.
Variant type: single nucleotide variant.
Coding change: c.6541C>T on transcript NM_005883.3 (MANE Select); coding-DNA position 6541, C replaced by T.
Protein change: p.Pro2181Ser; replaces proline 2181 with serine.
Molecular consequence: missense variant.
Genome position (GRCh38, 1-based): chr19:1,469,842, C>T. VCF-style: chr19-1469842-C-T. GRCh37 (hg19) VCF-style: chr19-1469841-C-T.
Other names: c.6538C>T, p.Pro2180Ser (NM_001351273.1); short protein forms P2180S, P2181S.
Identifiers: ClinVar variation 4980565 (VCV004980565.1).

ClinVar aggregate classification (germline): Likely benign (1 of 4 stars; one submission).

Conditions:
APC2-related disorder. Also called: APC2-Related Disorders; APC2-related condition.

Submission:

PreventionGenetics, part of Exact Sciences
Classification: Likely benign for APC2-related condition. Last evaluated: 2025-07-10. Review status: criteria provided, single submitter. Criteria: ACMG Guidelines, 2015. Collection method: clinical testing. Allele origin: germline.
Comment: This variant is classified as likely benign based on ACMG/AMP sequence variant interpretation guidelines (Richards et al. 2015 PMID: 25741868, with internal and published modifications).